The following is an entry in ClinVar:

NM_024312.5(GNPTAB):c.3335+11C>G

Gene: GNPTAB (N-acetylglucosamine-1-phosphate transferase subunits alpha and beta; minus strand). Cytogenetic location: 12q23.2.
Variant type: single nucleotide variant.
Coding change: c.3335+11C>G on transcript NM_024312.5 (MANE Select); 11 bases into the intron after coding-DNA position 3335, C replaced by G.
Molecular consequence: intron variant.
Genome position (GRCh38, 1-based): chr12:101,757,561, G>C on the plus strand (C>G on the coding strand, the complement: GNPTAB is on the minus strand). VCF-style: chr12-101757561-G-C. GRCh37 (hg19) VCF-style: chr12-102151339-G-C.
Identifiers: ClinVar variation 306796 (VCV000306796.12), dbSNP rs191087950, ClinGen allele CA6746196.

ClinVar aggregate classification (germline): Benign/Likely benign. Review status: criteria provided, multiple submitters, no conflicts (2 of 4 stars). 3 submissions from 2 submitters: Benign (1); Likely benign (2). Last evaluated 2026-01-28.

Conditions:
Mucolipidosis type II. Also called: Mucolipidosis II Alpha/Beta; ML II ALPHA/BETA; Mucolipidosis 2; ML 2; Inclusion cell disease; Leroy Disease. Identifiers: Orphanet 576, MedGen C2673377, MONDO:0009650, OMIM 252500.
Pseudo-Hurler polydystrophy. Also called: MUCOLIPIDOSIS IIIA; ML IIIA; Mucolipidosis III Alpha/Beta; ML III; ML III ALPHA/BETA; Type III Mucolipidosis. Identifiers: Orphanet 423461, Orphanet 577, MedGen C0033788, MONDO:0018931, OMIM 252600.

Allele frequency attached by ClinVar (database versions not stated): gnomAD 0.00012 and 0.00017; TOPMed 0.00025; gnomAD exomes 0.00052; 1000 Genomes Project 0.00080; ExAC 0.00046; 1000 Genomes Project 30x 0.00062.
gnomAD v4.1: 183 of 1,293,094 alleles (0.014%); highest among the groups gnomAD compares: East Asian, 0.39%; 1 homozygote.

Submissions (3):

Labcorp Genetics (formerly Invitae), Labcorp
Classification: Benign for Pseudo-Hurler polydystrophy; Mucolipidosis type II. Last evaluated: 2026-01-28. Review status: criteria provided, single submitter. Criteria: Invitae Variant Classification Sherloc (09022015). Collection method: clinical testing. Allele origin: germline.

Illumina Laboratory Services, Illumina
Classification: Likely benign for Pseudo-Hurler polydystrophy. Last evaluated: 2018-01-12. Review status: criteria provided, single submitter. Criteria: ICSL Variant Classification Criteria 13 December 2019. Collection method: clinical testing. Allele origin: germline.
Comment: This variant was observed in the ICSL laboratory as part of a predisposition screen in an ostensibly healthy population. It had not been previously curated by ICSL or reported in the Human Gene Mutation Database (HGMD: prior to June 1st, 2018), and was therefore a candidate for classification through an automated scoring system. Utilizing variant allele frequency, disease prevalence and penetrance estimates, and inheritance mode, an automated score was calculated to assess if this variant is too frequent to cause the disease. Based on the score and internal cut-off values, a variant classified as likely benign is not then subjected to further curation. The score for this variant resulted in a classification of likely benign for this disease.

Illumina Laboratory Services, Illumina
Classification: Likely benign for Mucolipidosis type II. Last evaluated: 2018-01-12. Review status: criteria provided, single submitter. Criteria: ICSL Variant Classification Criteria 13 December 2019. Collection method: clinical testing. Allele origin: germline.
Comment: the same text as in the submission from Illumina Laboratory Services, Illumina above.